The following is an entry in ClinVar:

ClinVar aggregate classification (germline): Conflicting classifications of pathogenicity. Review status: criteria provided, conflicting classifications (1 of 4 stars). 4 submissions from 4 submitters: Uncertain significance (1); Likely benign (2). 1 of the submissions does not count toward it. Last evaluated 2026-01-13.

Conditions:
Hereditary cancer-predisposing syndrome. Also called: Tumor predisposition; Hereditary Cancer Syndrome; Hereditary neoplastic syndrome; Neoplastic Syndromes, Hereditary. Identifiers: Orphanet 140162, MedGen C0027672, MeSH D009386, MONDO:0015356.
Hereditary diffuse gastric adenocarcinoma (HDGC). Also called: DIFFUSE GASTRIC AND LOBULAR BREAST CANCER SYNDROME. Identifiers: Orphanet 26106, MedGen C1708349, MONDO:0007648, OMIM 137215.

gnomAD v4.1: 10 of 1,515,018 alleles (0.00066%); highest among the groups gnomAD compares: East Asian, 0.024%; no homozygotes.

Submissions (4):

Labcorp Genetics (formerly Invitae), Labcorp
Classification: Likely benign for Hereditary diffuse gastric adenocarcinoma. Last evaluated: 2026-01-13. Review status: criteria provided, single submitter. Criteria: Invitae Variant Classification Sherloc (09022015). Collection method: clinical testing. Allele origin: germline.

Myriad Genetics, Inc.
Classification: Uncertain significance for Hereditary diffuse gastric adenocarcinoma. Last evaluated: 2023-03-03. Review status: criteria provided, single submitter. Criteria: Myriad Autosomal Dominant, Autosomal Recessive and X-Linked Classification Criteria (2023). Collection method: clinical testing. Allele origin: unknown.
Comment: This variant is classified as a variant of uncertain significance as there is insufficient evidence to determine its impact on protein function and/or cancer risk.

Color Diagnostics, LLC DBA Color Health
Classification: Likely benign for Hereditary cancer-predisposing syndrome. Last evaluated: 2017-03-13. Review status: criteria provided, single submitter. Criteria: ACMG Guidelines, 2015. Collection method: clinical testing. Allele origin: germline.

Counsyl
Classification: Likely benign for Hereditary diffuse gastric adenocarcinoma. Last evaluated: 2016-10-14. Review status: no assertion criteria provided. Collection method: clinical testing. Allele origin: unknown. Not counted in ClinVar's aggregate classification.

NM_004360.5(CDH1):c.49-16C>G

Gene: CDH1 (cadherin 1; plus strand). Cytogenetic location: 16q22.1.
Variant type: single nucleotide variant.
Coding change: c.49-16C>G on transcript NM_004360.5 (MANE Select); 16 bases into the intron before coding-DNA position 49, C replaced by G.
Molecular consequence: intron variant.
Genome position (GRCh38, 1-based): chr16:68,738,281, C>G. VCF-style: chr16-68738281-C-G. GRCh37 (hg19) VCF-style: chr16-68772184-C-G.
Other names: c.-1567-16C>G (NM_001317185.2); c.-1771-16C>G (NM_001317186.2); c.49-16C>G (NM_001317184.2, LRG_301t1).
Identifiers: ClinVar variation 372019 (VCV000372019.13), dbSNP rs1057517618, ClinGen allele CA16042154.